The following is an entry in ClinVar:

ClinVar aggregate classification (germline): Likely benign. Review status: criteria provided, multiple submitters, no conflicts (2 of 4 stars). 3 submissions from 3 submitters: Likely benign (3). Last evaluated 2025-12-24.

Conditions:
Peroxisome biogenesis disorder, complementation group K (CGK). Identifiers: MedGen C1866257, MONDO:0800365.

Allele frequency attached by ClinVar (database versions not stated): gnomAD exomes below 0.00001.
gnomAD v4.1: 1 of 1,612,446 alleles (0.000062%); highest among the groups gnomAD compares: Non-Finnish European, 0.000085%; no homozygotes.

Submissions (3):

Labcorp Genetics (formerly Invitae), Labcorp
Classification: Likely benign for Peroxisome biogenesis disorder, complementation group K. Last evaluated: 2025-12-24. Review status: criteria provided, single submitter. Criteria: Invitae Variant Classification Sherloc (09022015). Collection method: clinical testing. Allele origin: germline.

Blueprint Genetics
Classification: Likely benign. Last evaluated: 2024-01-18. Review status: criteria provided, single submitter. Criteria: ACMG Guidelines, 2015. Collection method: clinical testing. Allele origin: germline.

CeGaT Center for Human Genetics Tuebingen
Classification: Likely benign. Last evaluated: 2023-03-01. Review status: criteria provided, single submitter. Criteria: CeGaT Center For Human Genetics Tuebingen Variant Classification Criteria Version 2. Collection method: clinical testing. Allele origin: germline. Affected: yes. Observed: 1 variant allele.
Comment: PEX14: PM2:Supporting, BP4, BP7

NM_004565.3(PEX14):c.81G>A (p.Pro27=)

Gene: PEX14 (peroxisomal biogenesis factor 14; plus strand). Cytogenetic location: 1p36.22.
Variant type: single nucleotide variant.
Coding change: c.81G>A on transcript NM_004565.3 (MANE Select); coding-DNA position 81, G replaced by A.
Protein change: p.Pro27=; no amino-acid change (proline 27 retained).
Molecular consequence: synonymous variant.
Genome position (GRCh38, 1-based): chr1:10,495,318, G>A. VCF-style: chr1-10495318-G-A. GRCh37 (hg19) VCF-style: chr1-10555375-G-A.
Identifiers: ClinVar variation 1668374 (VCV001668374.32), dbSNP rs1557810674, ClinGen allele CA416007246.
Genomic context (GRCh38, chr1:10,495,318, plus strand): 5'-CCATTTTTCTCTGCAGCCAAGCTCTACTCCAGGAAGTGAAAATGTGCTGCCTCGAGAGCC[G>A]CTGGTAAGTACCCAAGATATGTGGTATCACTTTCTAGTAATTAAAATGCCACGCGAGTGA-3'
Protein context (NP_004556.1, residues 17-37): PGSENVLPRE[Pro27=]LIATAVKFLQ